The following is an entry in ClinVar:

NM_182961.4(SYNE1):c.23222A>C (p.Tyr7741Ser)

Gene: SYNE1 (spectrin repeat containing nuclear envelope protein 1; minus strand). Cytogenetic location: 6q25.2.
Variant type: single nucleotide variant.
Coding change: c.23222A>C on transcript NM_182961.4 (MANE Select); coding-DNA position 23222, A replaced by C.
Protein change: p.Tyr7741Ser; replaces tyrosine 7741 with serine.
Molecular consequence: missense variant.
Genome position (GRCh38, 1-based): chr6:152,189,331, T>G on the plus strand (A>C on the coding strand, the complement: SYNE1 is on the minus strand). VCF-style: chr6-152189331-T-G. GRCh37 (hg19) VCF-style: chr6-152510466-T-G.
Other names: c.23009A>C, p.Tyr7670Ser (NM_033071.5); short protein forms Y7670S, Y7741S.
Identifiers: ClinVar variation 1944422 (VCV001944422.5), dbSNP rs34974663, ClinGen allele CA366094235.

ClinVar aggregate classification (germline): Uncertain significance (1 of 4 stars; one submission).

Conditions:
Emery-Dreifuss muscular dystrophy 4, autosomal dominant (EDMD4). Also called: EMERY-DREIFUSS MUSCULAR DYSTROPHY 4 WITH VARIABLE FEATURES. Identifiers: Orphanet 261, MedGen C2751807, MONDO:0013071, OMIM 612998.
Autosomal recessive ataxia, Beauce type. Also called: SYNE1 Deficiency; Spinocerebellar ataxia, autosomal recessive 8; ATAXIA, RECESSIVE, OF BEAUCE; SYNE1-Related Autosomal Recessive Cerebellar Ataxia. Identifiers: Orphanet 88644, MedGen C1853116, MONDO:0012549, OMIM 610743.

gnomAD v4.1: 1 of 1,614,134 alleles (0.000062%); highest among the groups gnomAD compares: Admixed American, 0.0017%; no homozygotes.

Submission:

Labcorp Genetics (formerly Invitae), Labcorp
Classification: Uncertain significance for Emery-Dreifuss muscular dystrophy 4, autosomal dominant; Autosomal recessive ataxia, Beauce type. Last evaluated: 2023-08-04. Review status: criteria provided, single submitter. Criteria: Invitae Variant Classification Sherloc (09022015). Collection method: clinical testing. Allele origin: germline.
Comment: This sequence change replaces tyrosine, which is neutral and polar, with serine, which is neutral and polar, at codon 7670 of the SYNE1 protein (p.Tyr7670Ser). This variant is present in population databases (no rsID available, gnomAD 0.003%). This variant has not been reported in the literature in individuals affected with SYNE1-related conditions. ClinVar contains an entry for this variant (Variation ID: 1944422). An algorithm developed to predict the effect of missense changes on protein structure and function (PolyPhen-2) suggests that this variant is likely to be tolerated. In summary, the available evidence is currently insufficient to determine the role of this variant in disease. Therefore, it has been classified as a Variant of Uncertain Significance.